The following is an entry in ClinVar:

NM_000053.4(ATP7B):c.887C>T (p.Thr296Ile)

Gene: ATP7B (ATPase copper transporting beta; minus strand). Cytogenetic location: 13q14.3.
Variant type: single nucleotide variant.
Coding change: c.887C>T on transcript NM_000053.4 (MANE Select); coding-DNA position 887, C replaced by T.
Protein change: p.Thr296Ile; replaces threonine 296 with isoleucine.
Molecular consequence: missense variant. On other transcripts: intron variant (2).
Genome position (GRCh38, 1-based): chr13:51,974,333, G>A on the plus strand (C>T on the coding strand, the complement: ATP7B is on the minus strand). VCF-style: chr13-51974333-G-A. GRCh37 (hg19) VCF-style: chr13-52548469-G-A.
Other names: c.791C>T, p.Thr264Ile (NM_001406543.1, NM_001406544.1, NM_001406517.1 and 3 more transcripts); c.887C>T, p.Thr296Ile (NM_001406545.1, NM_001406540.1, NM_001406541.1 and 29 more transcripts); c.802+85C>T (NM_001243182.2); c.706+85C>T (NM_001406539.1); short protein forms T264I, T296I.
Identifiers: ClinVar variation 3385761 (VCV003385761.1).
Genomic context (GRCh38, chr13:51,974,333, plus strand): 5'-TCGATAGCCCTCTGCAGAGCCACTGGGCTGGTACAAGAAGGGTCATACTTTACTTGGGCA[G>A]TTTTGTTCTCCAAGGACACTTGAATACTTTGAACCCCTAGGAGCTGGCCAATATTTTCTT-3'
Protein context (NP_000044.2, residues 286-306): QSIQVSLENK[Thr296Ile]AQVKYDPSCT

ClinVar aggregate classification (germline): Uncertain significance (1 of 4 stars; one submission).

Conditions:
Wilson disease (WND). Also called: Wilson's disease. Identifiers: Orphanet 905, MedGen C0019202, MONDO:0010200, OMIM 277900. Disease mechanism: loss of function.

Submission:

All of Us Research Program, National Institutes of Health
Classification: Uncertain significance for Wilson disease. Last evaluated: 2024-05-14. Review status: criteria provided, single submitter. Criteria: ACMG Guidelines, 2015. Collection method: clinical testing. Allele origin: germline. Inheritance: Autosomal recessive inheritance. Observed: 1 variant allele, 1 heterozygote.
Comment: This missense variant replaces threonine with isoleucine at codon 296 of the ATP7B protein. Computational prediction suggests that this variant may not impact protein structure and function. To our knowledge, functional studies have not been reported for this variant. This variant has not been reported in individuals affected with ATP7B-related disorders in the literature. This variant has not been identified in the general population by the Genome Aggregation Database (gnomAD). The available evidence is insufficient to determine the role of this variant in disease conclusively. Therefore, this variant is classified as a Variant of Uncertain Significance.

This study involves interpretation of variants in research participants for the purpose of population health screening. Participant phenotype was not available at the time of variant classification. Additional details can be found in publication PMID: 35346344, PMCID: PMC8962531